The following is an entry in ClinVar:

ClinVar aggregate classification (germline): Conflicting classifications of pathogenicity. Review status: criteria provided, conflicting classifications (1 of 4 stars). 12 submissions from 12 submitters: Uncertain significance (10); Likely benign (2). Last evaluated 2026-04-14.

Conditions:
Ehlers-Danlos syndrome (EDS). Identifiers: Orphanet 98249, MedGen C0013720, MONDO:0020066.
Loeys-Dietz syndrome 4 (LDS4). Also called: TGFB2-Related Loeys-Dietz Syndrome; ANEURYSM, AORTIC AND CEREBRAL, WITH ARTERIAL TORTUOSITY AND SKELETAL MANIFESTATIONS. Identifiers: MedGen C3553762, MONDO:0013897, OMIM 614816.
Familial thoracic aortic aneurysm and aortic dissection (TAAD). Also called: Thoracic aortic aneurysms and dissections. Identifiers: Orphanet 91387, MedGen C4707243, MONDO:0019625.

Allele frequency attached by ClinVar (database versions not stated): ExAC 0.00005; gnomAD exomes 0.00010 and 0.00028; TOPMed 0.00012; ESP Exome Variant Server 0.00015; gnomAD 0.00015 and 0.00016.
gnomAD v4.1: 437 of 1,614,122 alleles (0.027%); highest among the groups gnomAD compares: Non-Finnish European, 0.035%; 1 homozygote.

Submissions (12):

Women's Health and Genetics/Laboratory Corporation of America, LabCorp
Classification: Uncertain significance. Last evaluated: 2026-04-14. Review status: criteria provided, single submitter. Criteria: LabCorp Variant Classification Summary - May 2015. Collection method: clinical testing. Allele origin: germline.
Comment: Variant summary: TGFB2 c.199G>A (p.Val67Met) results in a conservative amino acid change in the encoded protein sequence. Algorithms developed to predict the effect of missense changes on protein structure and function are either unavailable or do not agree on the potential impact of this missense change. The variant allele was found at a frequency of 0.0001 in 251318 control chromosomes. The observed variant frequency exceeds the estimated maximal expected allele frequency for disease-causing variants in TGFB2. cc.199G>A has been reported in the literature in individuals affected with Thoracic Aortic Aneurysms And Dissections (Boileau_2012, Weerakkody_2018) or multiple-aneurysms and/or pseudoaneurysm syndromes (DSouza_2017). These reports do not provide unequivocal conclusions about association of the variant with Thoracic Aortic Aneurysms And Dissections. To our knowledge, no experimental evidence demonstrating an impact on protein function has been reported. The following publications have been ascertained in the context of this evaluation (PMID: 29543232, 22772371, 28139901). ClinVar contains an entry for this variant (Variation ID: 213839). Based on the evidence outlined above, the variant was classified as VUS-possibly benign.

Labcorp Genetics (formerly Invitae), Labcorp
Classification: Uncertain significance for Loeys-Dietz syndrome 4. Last evaluated: 2026-01-25. Review status: criteria provided, single submitter. Criteria: Invitae Variant Classification Sherloc (09022015). Collection method: clinical testing. Allele origin: germline.
Comment: This sequence change replaces valine, which is neutral and non-polar, with methionine, which is neutral and non-polar, at codon 67 of the TGFB2 protein (p.Val67Met). This variant is present in population databases (rs201761868, gnomAD 0.02%). This missense change has been observed in individual(s) with clinical features of TGFB2-related conditions (PMID: 28139901, 29543232). ClinVar contains an entry for this variant (Variation ID: 213839). Invitae Evidence Modeling of protein sequence and biophysical properties (such as structural, functional, and spatial information, amino acid conservation, physicochemical variation, residue mobility, and thermodynamic stability) indicates that this missense variant is not expected to disrupt TGFB2 protein function with a negative predictive value of 80%. In summary, the available evidence is currently insufficient to determine the role of this variant in disease. Therefore, it has been classified as a Variant of Uncertain Significance.

GeneDx
Classification: Uncertain significance. Last evaluated: 2025-10-30. Review status: criteria provided, single submitter. Criteria: GeneDx Variant Classification Process June 2021. Collection method: clinical testing. Allele origin: germline. Affected: yes.
Comment: Identified in an individual with aneurysm of the descending thoracoabdominal aorta and in an individual with multiple-aneurysms and/or pseudoaneurysm syndromes (MaPS) (PMID: 29543232, 28139901); In silico analysis suggests that this missense variant does not alter protein structure/function; This variant is associated with the following publications: (PMID: 22772371, 28139901, 29543232)

Mayo Clinic Laboratories, Mayo Clinic
Classification: Likely benign. Last evaluated: 2025-08-06. Review status: criteria provided, single submitter. Criteria: ACMG Guidelines, 2015. Collection method: clinical testing. Allele origin: germline. Observed: 2 variant alleles.
Comment: BP4

Ambry Genetics
Classification: Uncertain significance for Familial thoracic aortic aneurysm and aortic dissection. Last evaluated: 2024-11-26. Review status: criteria provided, single submitter. Criteria: Ambry Variant Classification Scheme 2023. Collection method: clinical testing. Allele origin: germline.
Comment: The p.V67M variant (also known as c.199G>A), located in coding exon 1 of the TGFB2 gene, results from a G to A substitution at nucleotide position 199. The valine at codon 67 is replaced by methionine, an amino acid with highly similar properties. This alteration has been detected in a thoracic aortic aneurysm and dissection (TAAD) cohort (Weerakkody R et al. Genet. Med., 2018 11;20:1414-1422). This amino acid position is well conserved in available vertebrate species. In addition, the in silico prediction for this alteration is inconclusive. Since supporting evidence is limited at this time, the clinical significance of this alteration remains unclear.

Blueprint Genetics
Classification: Likely benign. Last evaluated: 2024-08-30. Review status: criteria provided, single submitter. Criteria: ACMG Guidelines, 2015. Collection method: clinical testing. Allele origin: germline.

Molecular Genetics, Royal Melbourne Hospital
Classification: Uncertain significance for Familial thoracic aortic aneurysm and aortic dissection. Last evaluated: 2024-05-02. Review status: criteria provided, single submitter. Criteria: ACMG Guidelines, 2015. Collection method: clinical testing. Allele origin: germline. Inheritance: Autosomal dominant inheritance.
Comment: This sequence change in TGFB2 is predicted to replace valine with methionine at codon 67, p.(Val67Met). The valine residue is highly conserved (100 vertebrates, UCSC), and is located in the TGFb propeptide. There is a small physicochemical difference between valine and methionine. The highest population minor allele frequency in gnomAD v4.1 is 0.04% (418/1,180,054 alleles, 1 homozygote) in the European (non-Finnish) population. This variant has been detected in individuals with aortic aneurysms and one individual with hypermobile Ehlers-Danlos syndrome (PMID: 28139901, 29543232). Computational evidence predicts a benign effect for the missense substitution (REVEL = 0.272). Based on the classification scheme RMH Modified ACMG Guidelines v1.6.1, this variant is classified as a VARIANT OF UNCERTAIN SIGNIFICANCE. Following criteria are met: BP4.

ARUP Laboratories, Molecular Genetics and Genomics, ARUP Laboratories
Classification: Uncertain significance for Loeys-Dietz syndrome 4. Last evaluated: 2023-09-21. Review status: criteria provided, single submitter. Criteria: ARUP Molecular Germline Variant Investigation Process 2024. Collection method: clinical testing. Allele origin: germline.
Comment: The TGFB2 c.199G>A; p.Val67Met variant (rs201761868) is reported in the literature in individuals affected with multiple aneurysms and/or pseudoaneurysm syndrome or thoracic aortic aneurysm/aortic dissection (D'Souza 2017, Weerakkody 2018). This variant is reported in ClinVar (Variation ID: 213839), and is found in the non-Finnish European population with an allele frequency of 0.023% (30/129,078 alleles) in the Genome Aggregation Database. Computational analyses are uncertain whether this variant is neutral or deleterious (REVEL: 0.272). Due to limited information, the clinical significance of this variant is uncertain at this time. References: D'Souza RS et al. Clinical and genetic characterization of adult patients presenting with non-syndromic vascular aneurysms and dissections. Int Angiol. 2017 Oct;36(5):417-427. PMID: 28139901. Weerakkody R et al. Targeted genetic analysis in a large cohort of familial and sporadic cases of aneurysm or dissection of the thoracic aorta. Genet Med. 2018 Nov;20(11):1414-1422. PMID: 29543232.

CHEO Genetics Diagnostic Laboratory, Children's Hospital of Eastern Ontario
Classification: Uncertain significance for Familial thoracic aortic aneurysm and aortic dissection. Last evaluated: 2023-01-09. Review status: criteria provided, single submitter. Criteria: ACMG Guidelines, 2015. Collection method: clinical testing. Allele origin: germline.

Genome Diagnostics Laboratory, The Hospital for Sick Children
Classification: Uncertain significance for Ehlers-Danlos syndrome. Last evaluated: 2022-01-28. Review status: criteria provided, single submitter. Criteria: ACMG Guidelines, 2015. Collection method: clinical testing. Allele origin: germline.

Fulgent Genetics
Classification: Uncertain significance for Loeys-Dietz syndrome 4. Last evaluated: 2021-11-08. Review status: criteria provided, single submitter. Criteria: ACMG Guidelines, 2015. Collection method: clinical testing. Allele origin: unknown.

Revvity Omics, Revvity
Classification: Uncertain significance for Loeys-Dietz syndrome 4. Last evaluated: 2021-01-11. Review status: criteria provided, single submitter. Criteria: ACMG Guidelines, 2015. Collection method: clinical testing. Allele origin: germline.

Literature cited by the submitters: PubMed 29543232 (cited by 5 submitters); PubMed 22772371 (cited by Women's Health and Genetics/Laboratory Corporation of America, LabCorp and Mayo Clinic Laboratories, Mayo Clinic); PubMed 28139901 (cited by 4 submitters).

NM_003238.6(TGFB2):c.199G>A (p.Val67Met)

Gene: TGFB2 (transforming growth factor beta 2; plus strand). Cytogenetic location: 1q41.
Variant type: single nucleotide variant.
Coding change: c.199G>A on transcript NM_003238.6 (MANE Select); coding-DNA position 199, G replaced by A.
Protein change: p.Val67Met; replaces valine 67 with methionine.
Molecular consequence: missense variant. On other transcripts: non-coding transcript variant (2).
Genome position (GRCh38, 1-based): chr1:218,346,900, G>A. VCF-style: chr1-218346900-G-A. GRCh37 (hg19) VCF-style: chr1-218520242-G-A.
Other names: p.V67M:GTG>ATG; p.Val67Met; c.199G>A (NM_001135599.2); c.199G>A, p.Val67Met (NM_001135599.4); short protein forms V67M.
Identifiers: ClinVar variation 213839 (VCV000213839.36), dbSNP rs201761868, ClinGen allele CA325359.